The following is an entry in ClinVar:

NM_001256317.3(TMPRSS3):c.1360T>C (p.Ter454Arg)

Gene: TMPRSS3 (transmembrane serine protease 3; minus strand). Cytogenetic location: 21q22.3.
Variant type: single nucleotide variant.
Coding change: c.1360T>C on transcript NM_001256317.3 (MANE Select); coding-DNA position 1360, T replaced by C.
Protein change: p.Ter454Arg.
Molecular consequence: stop lost.
Genome position (GRCh38, 1-based): chr21:42,372,764, A>G on the plus strand (T>C on the coding strand, the complement: TMPRSS3 is on the minus strand). VCF-style: chr21-42372764-A-G. GRCh37 (hg19) VCF-style: chr21-43792873-A-G.
Other names: c.1363T>C, p.Ter455Arg (NM_024022.4); c.982T>C, p.Ter328Arg (NM_032404.3).
Identifiers: ClinVar variation 1032152 (VCV001032152.13), dbSNP rs149919890, ClinGen allele CA10042220.

ClinVar aggregate classification (germline): Conflicting classifications of pathogenicity. Review status: criteria provided, conflicting classifications (1 of 4 stars). 6 submissions from 6 submitters: Uncertain significance (5); Likely benign (1). Last evaluated 2026-09-09.

Conditions:
Autosomal recessive nonsyndromic hearing loss 8 (DFNB8). Also called: Deafness, autosomal recessive 10; NEUROSENSORY NONSYNDROMIC RECESSIVE DEAFNESS 8. Identifiers: Orphanet 90636, MedGen C1832827, MONDO:0010987, OMIM 601072.
TMPRSS3-related disorder. Also called: TMPRSS3-related condition.

Allele frequency attached by ClinVar (database versions not stated): gnomAD exomes 0.00009 and 0.00018; ExAC 0.00024; ESP Exome Variant Server 0.00077; gnomAD 0.00094 and 0.00098; TOPMed 0.00094; 1000 Genomes Project 0.00100; 1000 Genomes Project 30x 0.00125.
gnomAD v4.1: 271 of 1,613,924 alleles (0.017%); highest among the groups gnomAD compares: African/African-American, 0.32%; no homozygotes.

Submissions (6):

GeneDx
Classification: Uncertain significance. Last evaluated: 2026-09-09. Review status: criteria provided, single submitter. Criteria: GeneDx Variant Classification Process June 2021. Collection method: clinical testing. Allele origin: germline.
Comment: Stop codon loss and change to an arginine codon, leading to protein extension and the addition of 9 amino acid(s) at the C-terminus; This variant is associated with the following publications: (PMID: 34837038, 38523675)

PreventionGenetics, part of Exact Sciences
Classification: Uncertain significance for TMPRSS3-related condition. Last evaluated: 2026-03-10. Review status: criteria provided, single submitter. Criteria: ACMG Guidelines, 2015. Collection method: clinical testing. Allele origin: germline.
Comment: The TMPRSS3 c.1363T>C variant is predicted to result in extension of the open reading frame (p.*455Argext*9). This variant was reported in the homozygous state in an individual with hearing loss, together with another homozygous variant in this gene (c.323-6G>A, Adeyemo et al. 2022. PubMed ID: 34837038). This variant is reported in 0.26% of alleles in individuals of African descent in gnomAD. At this time, the clinical significance of this variant is uncertain due to the absence of conclusive functional and genetic evidence.

Labcorp Genetics (formerly Invitae), Labcorp
Classification: Likely benign. Last evaluated: 2025-12-16. Review status: criteria provided, single submitter. Criteria: Invitae Variant Classification Sherloc (09022015). Collection method: clinical testing. Allele origin: germline.

Blueprint Genetics
Classification: Uncertain significance. Last evaluated: 2024-09-13. Review status: criteria provided, single submitter. Criteria: ACMG Guidelines, 2015. Collection method: clinical testing. Allele origin: germline.

Genomic Medicine Center of Excellence, King Faisal Specialist Hospital and Research Centre
Classification: Uncertain significance for Autosomal recessive nonsyndromic hearing loss 8. Last evaluated: 2024-04-04. Review status: criteria provided, single submitter. Criteria: ACMG Guidelines, 2015. Collection method: clinical testing. Allele origin: germline.

Women's Health and Genetics/Laboratory Corporation of America, LabCorp
Classification: Uncertain significance. Last evaluated: 2023-06-20. Review status: criteria provided, single submitter. Criteria: LabCorp Variant Classification Summary - May 2015. Collection method: clinical testing. Allele origin: germline.
Comment: Variant summary: TMPRSS3 c.1363T>C (p.X455ArgextX9) changes the termination codon and is predicted to lead to an extended protein with an additional 9 amino acids added to the normal C-terminus. The variant allele was found at a frequency of 0.00018 in 251494 control chromosomes (gnomAD). c.1363T>C has been reported in the literature in a homozygous individual affected with severe to profound hearing loss (Adeyemo_2022). This report does not provide unequivocal conclusions about association of the variant with Deafness, Autosomal Recessive 8. Co-occurrence with another (likely) pathogenic variant was reported in the afforementioned individual in a homozygous state (TMPRSS3 c.323-6G>A), providing supporting evidence for a benign role. To our knowledge, no experimental evidence demonstrating an impact on protein function has been reported. The following publication has been ascertained in the context of this evaluation (PMID: 34837038). One submitter has cited a clinical-significance assessment for this variant to ClinVar after 2014 and classified it as uncertain significance. Based on the evidence outlined above, the variant was classified as uncertain significance.

Literature cited by the submitters: PubMed 34837038 (cited by Women's Health and Genetics/Laboratory Corporation of America, LabCorp).